The following is an entry in ClinVar:

ClinVar aggregate classification (germline): Uncertain significance. Review status: criteria provided, multiple submitters, no conflicts (2 of 4 stars). 2 submissions from 2 submitters: Uncertain significance (2). Last evaluated 2024-12-03.

Conditions:
Inborn genetic diseases. Identifiers: MedGen C0950123, MeSH D030342.
Dyskeratosis congenita, autosomal recessive 5 (DKCB5). Identifiers: MedGen C3554656, MONDO:0014076, OMIM 615190.
Pulmonary fibrosis and/or bone marrow failure, Telomere-related, 3. Also called: PULMONARY FIBROSIS AND/OR BONE MARROW FAILURE SYNDROME, TELOMERE-RELATED, 3. Identifiers: Orphanet 2032, MedGen C4225346, MONDO:0014613, OMIM 616373.

Allele frequency attached by ClinVar (database versions not stated): gnomAD exomes below 0.00001; TOPMed below 0.00001.
gnomAD v4.1: 6 of 1,614,128 alleles (0.00037%); highest among the groups gnomAD compares: East Asian, 0.013%; no homozygotes.

Submissions (2):

Ambry Genetics
Classification: Uncertain significance for Inborn genetic diseases. Last evaluated: 2024-12-03. Review status: criteria provided, single submitter. Criteria: Ambry Variant Classification Scheme 2023. Collection method: clinical testing. Allele origin: germline.

Labcorp Genetics (formerly Invitae), Labcorp
Classification: Uncertain significance for Dyskeratosis congenita, autosomal recessive 5; Pulmonary fibrosis and/or bone marrow failure, Telomere-related, 3. Last evaluated: 2024-05-15. Review status: criteria provided, single submitter. Criteria: Invitae Variant Classification Sherloc (09022015). Collection method: clinical testing. Allele origin: germline.
Comment: This sequence change replaces glutamine, which is neutral and polar, with arginine, which is basic and polar, at codon 185 of the RTEL1 protein (p.Gln185Arg). This variant is present in population databases (rs781394175, gnomAD 0.03%). This variant has not been reported in the literature in individuals affected with RTEL1-related conditions. ClinVar contains an entry for this variant (Variation ID: 2170504). Algorithms developed to predict the effect of missense changes on protein structure and function output the following: SIFT: "Not Available"; PolyPhen-2: "Benign"; Align-GVGD: "Not Available". The arginine amino acid residue is found in multiple mammalian species, which suggests that this missense change does not adversely affect protein function. In summary, the available evidence is currently insufficient to determine the role of this variant in disease. Therefore, it has been classified as a Variant of Uncertain Significance.

NM_001283009.2(RTEL1):c.554A>G (p.Gln185Arg)

Genes: RTEL1 (regulator of telomere elongation helicase 1; plus strand), RTEL1-TNFRSF6B (RTEL1-TNFRSF6B readthrough (NMD candidate); plus strand). Cytogenetic location: 20q13.33.
Variant type: single nucleotide variant.
Coding change: c.554A>G on transcript NM_001283009.2 (MANE Select); coding-DNA position 554, A replaced by G.
Protein change: p.Gln185Arg; replaces glutamine 185 with arginine.
Molecular consequence: missense variant. On other transcripts: non-coding transcript variant (1), 5 prime UTR variant (1).
Genome position (GRCh38, 1-based): chr20:63,666,019, A>G. VCF-style: chr20-63666019-A-G. GRCh37 (hg19) VCF-style: chr20-62297372-A-G.
Other names: c.-116A>G (NM_001283010.1); c.554A>G, p.Gln185Arg (NM_016434.4); c.626A>G, p.Gln209Arg (NM_032957.5); c.626A>G (NM_032957.4); short protein forms Q185R, Q209R.
Identifiers: ClinVar variation 2170504 (VCV002170504.4), dbSNP rs781394175, ClinGen allele CA9964338.